The following is an entry in ClinVar:

ClinVar aggregate classification (germline): Conflicting classifications of pathogenicity. Review status: criteria provided, conflicting classifications (1 of 4 stars). 3 submissions from 3 submitters: Likely pathogenic (2); Uncertain significance (1). Last evaluated 2025-10-02.

Conditions:
Autosomal recessive Alport syndrome (ATS2). Also called: ALPORT SYNDROME 2, AUTOSOMAL RECESSIVE; Alport syndrome type 2; COL4A4 Alport Syndrome and Thin Basement Membrane Nephropathy; COL4A3-Related Nephropathy. Identifiers: Orphanet 63, Orphanet 88919, MedGen C4746745, MONDO:0008762, OMIM 203780.
Hematuria, benign familial, 1 (BFH1). Also called: THIN MEMBRANE NEPHROPATHY. Identifiers: MedGen CN376803, MONDO:0007709, OMIM 141200.
Alport syndrome. Also called: Hemorrhagic familial nephritis; Hemorrhagic hereditary nephritis; Congenital hereditary hematuria. Identifiers: Orphanet 63, MedGen C1567741, MONDO:0018965.

Submissions (3):

Natera, Inc.
Classification: Likely pathogenic for Alport syndrome. Last evaluated: 2025-10-02. Review status: criteria provided, single submitter. Criteria: Natera Variant Classification Schema (03/2026). Collection method: clinical testing. Allele origin: germline.
Comment: The c.4762T>C variant in COL4A4 is a missense variant predicted to cause substitution of cysteine to arginine at amino acid 1588. This variant is rare in the general population with a frequency below the threshold expected for the associated phenotype(s). This variant has been observed in one or more individuals affected with the associated recessive disease, as either homozygous or compound heterozygous with a second variant (PMID: 37097554). A different variant at the same position has been determined to be Pathogenic or Likely Pathogenic. Computational prediction algorithms indicate this variant is likely to affect gene or protein function. Given the available evidence, this variant is classified as Likely Pathogenic.

Fulgent Genetics
Classification: Likely pathogenic for Hematuria, benign familial, 1; Autosomal recessive Alport syndrome. Last evaluated: 2024-03-09. Review status: criteria provided, single submitter. Criteria: ACMG Guidelines, 2015. Collection method: clinical testing. Allele origin: germline.

Labcorp Genetics (formerly Invitae), Labcorp
Classification: Uncertain significance. Last evaluated: 2022-11-25. Review status: criteria provided, single submitter. Criteria: Invitae Variant Classification Sherloc (09022015). Collection method: clinical testing. Allele origin: germline.
Comment: This sequence change replaces cysteine, which is neutral and slightly polar, with arginine, which is basic and polar, at codon 1588 of the COL4A4 protein (p.Cys1588Arg). In summary, the available evidence is currently insufficient to determine the role of this variant in disease. Therefore, it has been classified as a Variant of Uncertain Significance. Advanced modeling of protein sequence and biophysical properties (such as structural, functional, and spatial information, amino acid conservation, physicochemical variation, residue mobility, and thermodynamic stability) performed at Invitae indicates that this missense variant is not expected to disrupt COL4A4 protein function. This variant has not been reported in the literature in individuals affected with COL4A4-related conditions. This variant is not present in population databases (gnomAD no frequency).

Literature cited by the submitters: PubMed 37097554 (cited by Natera, Inc.).

NM_000092.5(COL4A4):c.4762T>C (p.Cys1588Arg)

Gene: COL4A4 (collagen type IV alpha 4 chain; minus strand). Cytogenetic location: 2q36.3.
Variant type: single nucleotide variant.
Coding change: c.4762T>C on transcript NM_000092.5 (MANE Select); coding-DNA position 4762, T replaced by C.
Protein change: p.Cys1588Arg; replaces cysteine 1588 with arginine.
Molecular consequence: missense variant.
Genome position (GRCh38, 1-based): chr2:227,008,065, A>G on the plus strand (T>C on the coding strand, the complement: COL4A4 is on the minus strand). VCF-style: chr2-227008065-A-G. GRCh37 (hg19) VCF-style: chr2-227872781-A-G.
Other names: short protein forms C1588R.
Identifiers: ClinVar variation 2968769 (VCV002968769.5), dbSNP rs2472603497, ClinGen allele CA351140538.